The following is an entry in ClinVar:

NM_000346.4(SOX9):c.503A>G (p.Asp168Gly)

Gene: SOX9 (SRY-box transcription factor 9; plus strand). Cytogenetic location: 17q24.3.
Variant type: single nucleotide variant.
Coding change: c.503A>G on transcript NM_000346.4 (MANE Select); coding-DNA position 503, A replaced by G.
Protein change: p.Asp168Gly; replaces aspartic acid 168 with glycine.
Molecular consequence: missense variant.
Genome position (GRCh38, 1-based): chr17:72,122,790, A>G. VCF-style: chr17-72122790-A-G. GRCh37 (hg19) VCF-style: chr17-70118931-A-G.
Other names: short protein forms D168G.
Identifiers: ClinVar variation 973323 (VCV000973323.5), dbSNP rs1908142618, ClinGen allele CA400866439.
Genomic context (GRCh38, chr17:72,122,790, plus strand): 5'-AGAGCGAGAAGCGGCCCTTCGTGGAGGAGGCGGAGCGGCTGCGCGTGCAGCACAAGAAGG[A>G]CCACCCGGATTACAAGTACCAGCCGCGGCGGAGGAAGTCGGTGAAGAACGGGCAGGCGGA-3'
Protein context (NP_000337.1, residues 158-178): AERLRVQHKK[Asp168Gly]HPDYKYQPRR

ClinVar aggregate classification (germline): Likely pathogenic (1 of 4 stars; one submission).

Conditions:
Camptomelic dysplasia (CMPD). Also called: Campomelic Dysplasia; CMPD1/SRA1. Identifiers: Orphanet 140, MedGen C1861922, MONDO:0007251, OMIM 114290.

Submission:

Illumina Laboratory Services, Illumina
Classification: Likely pathogenic for Camptomelic dysplasia. Last evaluated: 2019-11-27. Review status: criteria provided, single submitter. Criteria: ICSLVariantClassificationCriteria RUGD 01 April 2020. Collection method: clinical testing. Allele origin: unknown.
Comment: The SOX9 c.503A>G (p.Asp168Gly) variant is a missense variant. A literature search was performed for the gene, cDNA change, and amino acid change. No publications were found based on this search. This variant is not found in the Genome Aggregation Database in a region of good sequence coverage, so the variant is presumed to be rare. The p.Asp168Gly variant is located in the HMG DNA-binding domain of the SOX9 protein, and variants within this domain have been associated with a milder, non-lethal phenotype, including variants at adjacent amino acids His169 and Pro170 (Wada et al. 2009; Corbani et al. 2011; Matsushita et al. 2013). The clinical features of these patients are variable and include dysmorphic facial features (Pierre Robin sequence and/or cleft palate, micrognathia, low-set ears, and anteverted nares), relative macrocephaly, short stature, and skeletal abnormalities (scapular hypoplasia, scoliosis, narrow iliac wings, mild bowing of long bones, limited elbow extension, brachydactyly with clinodactyly of the 5th fingers, humeral and ulnar abnormalities, sandal gap, and defective ischio-pubic ossification). Based on the location of the variant in an important functional domain, its absence from population frequency databases, pathogenic in silico predictions, and cosegregation of the variant in affected family members, the p.Asp168Gly variant is classified as likely pathogenic for campomelic dysplasia.

Literature cited by the submitters: PubMed 19921652; PubMed 21373255; PubMed 24038782.